The following is an entry in ClinVar:

NM_148960.3(CLDN19):c.626+116G>C

Gene: CLDN19 (claudin 19; minus strand). Cytogenetic location: 1p34.2.
Variant type: single nucleotide variant.
Coding change: c.626+116G>C on transcript NM_148960.3 (MANE Select); 116 bases into the intron after coding-DNA position 626, G replaced by C.
Molecular consequence: intron variant. On other transcripts: 3 prime UTR variant (1), stop lost (1).
Genome position (GRCh38, 1-based): chr1:42,735,762, C>G on the plus strand (G>C on the coding strand, the complement: CLDN19 is on the minus strand). VCF-style: chr1-42735762-C-G. GRCh37 (hg19) VCF-style: chr1-43201433-C-G.
Other names: c.*106G>C (NM_001123395.2); c.657G>C, p.Ter219Tyr (NM_001185117.2).
Identifiers: ClinVar variation 4759360 (VCV004759360.1).

ClinVar aggregate classification (germline): Uncertain significance (1 of 4 stars; one submission).

Conditions:
Renal tubulopathies.

gnomAD v4.1: 38 of 1,523,826 alleles (0.0025%); highest among the groups gnomAD compares: South Asian, 0.046%; no homozygotes.

Submission:

Genetics Laboratory, Great Ormond Street Hospital NHS Foundation Trust, North Thames Genomic Laboratory Hub
Classification: Uncertain significance for Renal tubulopathies. Last evaluated: 2025-12-15. Review status: criteria provided, single submitter. Criteria: ACGS Best Practice Guidelines for Variant Classification in Rare Disease 2024 v1.2. Collection method: clinical testing. Allele origin: germline. Affected: yes.
Comment: PM2_moderate, PM4_moderate